The following is an entry in ClinVar:

ClinVar aggregate classification (germline): Uncertain significance. Review status: criteria provided, multiple submitters, no conflicts (2 of 4 stars). 2 submissions from 2 submitters: Uncertain significance (2). Last evaluated 2023-02-12.

Conditions:
Brugada syndrome. Also called: Sudden Unexplained Death Syndrome; Sudden Unexplained Nocturnal Death Syndrome (SUNDS); Sudden unexpected nocturnal death syndrome; Sudden unexplained nocturnal death syndrome. Identifiers: Orphanet 130, MedGen C1142166, MONDO:0015263.
Cardiovascular phenotype. Identifiers: MedGen CN230736.

Submissions (2):

Ambry Genetics
Classification: Uncertain significance for Cardiovascular phenotype. Last evaluated: 2023-02-12. Review status: criteria provided, single submitter. Criteria: Ambry Variant Classification Scheme 2023. Collection method: clinical testing. Allele origin: germline.
Comment: The p.M1282L variant (also known as c.3844A>T), located in coding exon 22 of the SCN10A gene, results from an A to T substitution at nucleotide position 3844. The methionine at codon 1282 is replaced by leucine, an amino acid with highly similar properties. This amino acid position is well conserved in available vertebrate species. In addition, the in silico prediction for this alteration is inconclusive. Since supporting evidence is limited at this time, the clinical significance of this alteration remains unclear.

Labcorp Genetics (formerly Invitae), Labcorp
Classification: Uncertain significance for Brugada syndrome. Last evaluated: 2020-05-21. Review status: criteria provided, single submitter. Criteria: Invitae Variant Classification Sherloc (09022015). Collection method: clinical testing. Allele origin: germline.
Comment: In summary, the available evidence is currently insufficient to determine the role of this variant in disease. Therefore, it has been classified as a Variant of Uncertain Significance. Algorithms developed to predict the effect of missense changes on protein structure and function (SIFT, PolyPhen-2, Align-GVGD) all suggest that this variant is likely to be tolerated, but these predictions have not been confirmed by published functional studies and their clinical significance is uncertain. This variant has not been reported in the literature in individuals with SCN10A-related conditions. This variant is not present in population databases (ExAC no frequency). This sequence change replaces methionine with leucine at codon 1282 of the SCN10A protein (p.Met1282Leu). The methionine residue is moderately conserved and there is a small physicochemical difference between methionine and leucine.

NM_006514.4(SCN10A):c.3844A>T (p.Met1282Leu)

Gene: SCN10A (sodium voltage-gated channel alpha subunit 10; minus strand). Cytogenetic location: 3p22.2.
Variant type: single nucleotide variant.
Coding change: c.3844A>T on transcript NM_006514.4 (MANE Select); coding-DNA position 3844, A replaced by T.
Protein change: p.Met1282Leu; replaces methionine 1282 with leucine.
Molecular consequence: missense variant.
Genome position (GRCh38, 1-based): chr3:38,712,406, T>A on the plus strand (A>T on the coding strand, the complement: SCN10A is on the minus strand). VCF-style: chr3-38712406-T-A. GRCh37 (hg19) VCF-style: chr3-38753897-T-A.
Other names: c.3841A>T, p.Met1281Leu (NM_001293306.2); c.3550A>T, p.Met1184Leu (NM_001293307.2); short protein forms M1184L, M1281L, M1282L.
Identifiers: ClinVar variation 1007211 (VCV001007211.8), dbSNP rs1006794198, ClinGen allele CA352151338.
Genomic context (GRCh38, chr3:38,712,406, plus strand): 5'-GGTTCACACCCATGATGCTGAAGATGAGCCAGAAGATGAGGCAGACGAGGAGGACATTCA[T>A]GATGGATGGGATGGCGCCCACCAGGGCATCCACCACCACCTGGTGGGAGATAGAGAAAGA-3'
Protein context (NP_006505.4, residues 1272-1292): DALVGAIPSI[Met1282Leu]NVLLVCLIFW